The following is an entry in ClinVar:

ClinVar aggregate classification (germline): Uncertain significance (1 of 4 stars; one submission).

Conditions:
Developmental and epileptic encephalopathy, 23 (DEE23). Also called: Epileptic encephalopathy, early infantile, 23. Identifiers: Orphanet 411986, MedGen C4014492, MONDO:0014371, OMIM 615859.

Allele frequency attached by ClinVar (database versions not stated): gnomAD exomes below 0.00001 and 0.00001; TOPMed below 0.00001; ExAC 0.00001.
gnomAD v4.1: 3 of 1,614,024 alleles (0.00019%); highest among the groups gnomAD compares: East Asian, 0.0022%; no homozygotes.

Submission:

Labcorp Genetics (formerly Invitae), Labcorp
Classification: Uncertain significance for Developmental and epileptic encephalopathy, 23. Last evaluated: 2019-04-08. Review status: criteria provided, single submitter. Criteria: Invitae Variant Classification Sherloc (09022015). Collection method: clinical testing. Allele origin: germline.
Comment: In summary, the available evidence is currently insufficient to determine the role of this variant in disease. Therefore, it has been classified as a Variant of Uncertain Significance. Algorithms developed to predict the effect of sequence changes on RNA splicing suggest that this variant may create or strengthen a splice site, but this prediction has not been confirmed by published transcriptional studies. Algorithms developed to predict the effect of missense changes on protein structure and function are either unavailable or do not agree on the potential impact of this missense change (SIFT: "Deleterious"; PolyPhen-2: "Benign"; Align-GVGD: "Class C0"). This variant has not been reported in the literature in individuals with DOCK7-related conditions. This variant is present in population databases (rs770516366, ExAC 0.01%). This sequence change replaces isoleucine with valine at codon 904 of the DOCK7 protein (p.Ile904Val). The isoleucine residue is moderately conserved and there is a small physicochemical difference between isoleucine and valine.

NM_001367561.1(DOCK7):c.2710A>G (p.Ile904Val)

Gene: DOCK7 (dedicator of cytokinesis 7; minus strand). Cytogenetic location: 1p31.3.
Variant type: single nucleotide variant.
Coding change: c.2710A>G on transcript NM_001367561.1 (MANE Select); coding-DNA position 2710, A replaced by G.
Protein change: p.Ile904Val; replaces isoleucine 904 with valine.
Molecular consequence: missense variant.
Genome position (GRCh38, 1-based): chr1:62,552,788, T>C on the plus strand (A>G on the coding strand, the complement: DOCK7 is on the minus strand). VCF-style: chr1-62552788-T-C. GRCh37 (hg19) VCF-style: chr1-63018459-T-C.
Other names: c.2710A>G, p.Ile904Val (NM_001271999.2, NM_001272000.2, NM_001272001.2 and 2 more transcripts); short protein forms I904V.
Identifiers: ClinVar variation 846219 (VCV000846219.10), dbSNP rs770516366, ClinGen allele CA886193.